The following is an entry in ClinVar:

ClinVar aggregate classification (germline): Uncertain significance. Review status: criteria provided, multiple submitters, no conflicts (2 of 4 stars). 3 submissions from 3 submitters: Uncertain significance (3). Last evaluated 2024-05-23.

Conditions:
Inborn genetic diseases. Identifiers: MedGen C0950123, MeSH D030342.

Allele frequency attached by ClinVar (database versions not stated): gnomAD 0.00005 and 0.00006; TOPMed 0.00005; ExAC 0.00018.
gnomAD v4.1: 44 of 1,535,946 alleles (0.0029%); highest among the groups gnomAD compares: Non-Finnish European, 0.0037%; no homozygotes.

Submissions (3):

Labcorp Genetics (formerly Invitae), Labcorp
Classification: Uncertain significance. Last evaluated: 2024-05-23. Review status: criteria provided, single submitter. Criteria: Invitae Variant Classification Sherloc (09022015). Collection method: clinical testing. Allele origin: germline.
Comment: This sequence change replaces arginine, which is basic and polar, with proline, which is neutral and non-polar, at codon 114 of the SPEG protein (p.Arg114Pro). This variant is present in population databases (rs751671030, gnomAD 0.009%). This variant has not been reported in the literature in individuals affected with SPEG-related conditions. ClinVar contains an entry for this variant (Variation ID: 1312222). An algorithm developed to predict the effect of missense changes on protein structure and function (PolyPhen-2) suggests that this variant is likely to be disruptive. In summary, the available evidence is currently insufficient to determine the role of this variant in disease. Therefore, it has been classified as a Variant of Uncertain Significance.

Ambry Genetics
Classification: Uncertain significance for Inborn genetic diseases. Last evaluated: 2021-11-15. Review status: criteria provided, single submitter. Criteria: Ambry Variant Classification Scheme 2023. Collection method: clinical testing. Allele origin: germline.

GeneDx
Classification: Uncertain significance. Last evaluated: 2019-09-24. Review status: criteria provided, single submitter. Criteria: GeneDx Variant Classification Process June 2021. Collection method: clinical testing. Allele origin: germline. Affected: yes.
Comment: Has not been previously published as pathogenic or benign to our knowledge; Not observed at a significant frequency in large population cohorts (Lek et al., 2016); In silico analysis, which includes protein predictors and evolutionary conservation, supports that this variant does not alter protein structure/function

NM_005876.5(SPEG):c.341G>C (p.Arg114Pro)

Gene: SPEG (striated muscle enriched protein kinase; plus strand). Cytogenetic location: 2q35.
Variant type: single nucleotide variant.
Coding change: c.341G>C on transcript NM_005876.5 (MANE Select); coding-DNA position 341, G replaced by C.
Protein change: p.Arg114Pro; replaces arginine 114 with proline.
Molecular consequence: missense variant.
Genome position (GRCh38, 1-based): chr2:219,435,318, G>C. VCF-style: chr2-219435318-G-C. GRCh37 (hg19) VCF-style: chr2-220300040-G-C.
Other names: short protein forms R114P.
Identifiers: ClinVar variation 1312222 (VCV001312222.9), dbSNP rs751671030, ClinGen allele CA2125361.